The following is an entry in ClinVar:

ClinVar aggregate classification (germline): Uncertain significance (1 of 4 stars; one submission).

Submission:

GeneDx
Classification: Uncertain significance. Last evaluated: 2024-11-30. Review status: criteria provided, single submitter. Criteria: GeneDx Variant Classification Process June 2021. Collection method: clinical testing. Allele origin: germline. Affected: yes.
Comment: Not observed at significant frequency in large population cohorts (gnomAD); In silico analysis supports that this missense variant has a deleterious effect on protein structure/function; Has not been previously published as pathogenic or benign to our knowledge

NM_002430.3(MN1):c.40A>T (p.Arg14Trp)

Gene: MN1 (MN1 proto-oncogene, transcriptional regulator; minus strand). Cytogenetic location: 22q12.1.
Variant type: single nucleotide variant.
Coding change: c.40A>T on transcript NM_002430.3 (MANE Select); coding-DNA position 40, A replaced by T.
Protein change: p.Arg14Trp; replaces arginine 14 with tryptophan.
Molecular consequence: missense variant.
Genome position (GRCh38, 1-based): chr22:27,800,504, T>A on the plus strand (A>T on the coding strand, the complement: MN1 is on the minus strand). VCF-style: chr22-27800504-T-A. GRCh37 (hg19) VCF-style: chr22-28196492-T-A.
Other names: short protein forms R14W.
Identifiers: ClinVar variation 3900883 (VCV003900883.1).
Genomic context (GRCh38, chr22:27,800,504, plus strand): 5'-AGTGGGTGTTCATGCTCAGTCCGGTCTCGTTAAAGTTCCTCTCGCCCTGGCCAGCGTTCC[T>A]GCTGTTGACCTGGGGCTCGAATTGGTCCAGCCCAAACATACTTGGCGGGGGGCAGAGGGG-3'
Protein context (NP_002421.3, residues 4-24): LDQFEPQVNS[Arg14Trp]NAGQGERNFN